The following is an entry in ClinVar:

NM_005120.3(MED12):c.3412C>T (p.Arg1138Trp)

Gene: MED12 (mediator complex subunit 12; plus strand). Cytogenetic location: Xq13.1.
Variant type: single nucleotide variant.
Coding change: c.3412C>T on transcript NM_005120.3 (MANE Select); coding-DNA position 3412, C replaced by T.
Protein change: p.Arg1138Trp; replaces arginine 1138 with tryptophan.
Molecular consequence: missense variant.
Genome position (GRCh38, 1-based): chrX:71,128,655, C>T. VCF-style: chrX-71128655-C-T. GRCh37 (hg19) VCF-style: chrX-70348505-C-T.
Other names: p.R1138W; c.3412C>T (NM_005120.2); short protein forms R1138W.
Identifiers: ClinVar variation 1210242 (VCV001210242.11), dbSNP rs1057523906, ClinGen allele CA413519185.

ClinVar aggregate classification (germline): Pathogenic/Likely pathogenic. Review status: criteria provided, multiple submitters, no conflicts (2 of 4 stars). 6 submissions from 6 submitters: Pathogenic (3); Likely pathogenic (2). 1 of the submissions does not count toward it. Last evaluated 2024-07-03.

Conditions:
FG syndrome 1 (OKS). Also called: OPITZ-KAVEGGIA SYNDROME; KELLER SYNDROME; MENTAL RETARDATION, LARGE HEAD, IMPERFORATE ANUS, CONGENITAL HYPOTONIA, AND PARTIAL AGENESIS OF CORPUS CALLOSUM; FG Syndrome Type 1 (FGS1). Identifiers: Orphanet 93932, MedGen C5399762, MONDO:0010590, OMIM 305450.
MED12-Related Disorders. Also called: MED12-related condition; MED12-related disorder. Identifiers: MedGen CN381102.
Blepharophimosis - intellectual disability syndrome, MKB type. Also called: X-Linked Ohdo Syndrome (XLOS); Ohdo syndrome, X-linked; BLEPHAROPHIMOSIS-MENTAL RETARDATION SYNDROME, MAAT-KIEVIT-BRUNNER TYPE. Identifiers: Orphanet 293707, MedGen C3698541, MONDO:0010477, OMIM 300895.
MED12-related intellectual disability syndrome. Identifiers: MedGen CN305246, MONDO:0100000.
Cholestasis-pigmentary retinopathy-cleft palate syndrome (HDKR). Also called: Hardikar Syndrome (HS). Identifiers: Orphanet 1415, MedGen C0795969, MeSH C535632, MONDO:0012997, OMIM 301068.

Submissions (6):

Undiagnosed Diseases Network, NIH
Classification: Pathogenic for MED12-related condition. Last evaluated: 2024-07-03. Review status: criteria provided, single submitter. Criteria: ACMG Guidelines, 2015. Collection method: clinical testing. Allele origin: unknown. Inheritance: X-linked inheritance. Affected: yes. Observed: 1 variant allele, 1 heterozygote. Study: Undiagnosed Diseases Network (NIH), UDN.

Neuberg Centre For Genomic Medicine, NCGM
Classification: Pathogenic for Cholestasis-pigmentary retinopathy-cleft palate syndrome. Last evaluated: 2023-07-22. Review status: criteria provided, single submitter. Criteria: ACMG Guidelines, 2015. Collection method: clinical testing. Allele origin: germline. Inheritance: X-linked dominant inheritance. Affected: yes.
Comment: The missense variant c.3412C>T p.Arg1138Trp in the MED12 gene has been reported previously in female patients affected with Xlinked syndromic neurodevelopmental disorders and has been classified as a potential mutational hot spot Polla et al., 2021; Gonzalez et al., 2021, Riccardi F, et al., 2021. The p.Arg1138Trp variant is absent in gnomAD Exomes. It has been submitted to ClinVar as Likely Pathogenic/Uncertain Significance. However, evidence regarding the functional impact of the variant is not available. Multiple lines of computational evidence SIFT-damaging and Mutation Taster-disease causing predict a damaging effect on protein structure and function for this variant. The amino acid Arginine at position 1138 is changed to a Tryptophan changing protein sequence and it might alter its composition and physico-chemical properties. The variant is predicted as damaging by SIFT and as dis. The amino acid change p.Arg1138Trp in MED12 is predicted as conserved by GERP++ and PhyloP across 100 vertebrates. For these reasons, this variant has been classified as Pathogenic.

Victorian Clinical Genetics Services, Murdoch Childrens Research Institute
Classification: Pathogenic for MED12-related intellectual disability syndrome. Last evaluated: 2023-07-17. Review status: criteria provided, single submitter. Criteria: ACMG Guidelines, 2015. Collection method: clinical testing. Allele origin: germline. Inheritance: X-linked inheritance. Affected: yes.
Comment: Based on the classification scheme VCGS_Germline_v1.3.4, this variant is classified as Pathogenic. Following criteria are met: 0102 - Loss of function is a known mechanism of disease in this gene and is associated with Lujan-Fryns syndrome (MIM#309520), Ohdo syndrome (MIM#300895), Opitz-Kaveggia syndrome (MIM#305450) and Hardikar syndrome (MIM#301068). [MONDO contains a collective term (MED12-related intellectual disability syndrome (MONDO:0100000)]. (I) 0109 - This gene is associated with X-linked recessive disease. However, females with de novo variants resulting in a premature termination codon, have been reported with severe disease onset and heavily skewed X-inactivation. Carriers of missense variants have variable presentations, with some mildly affected and others asymptomatic (OMIM, PMIDs: 32174975, 30006928, 33244166). (I) 0200 - Variant is predicted to result in a missense amino acid change from arginine to tryptophan. (I) 0251 - This variant is heterozygous. (I) 0301 - Variant is absent from gnomAD (both v2 and v3). (SP) 0501 - Missense variant consistently predicted to be damaging by multiple in silico tools or highly conserved with a major amino acid change. (SP) 0603 - Missense variant in a region that is highly intolerant to missense variation (high constraint region in DECIPHER). (SP) 0801 - This variant has strong previous evidence of pathogenicity in unrelated individuals. This variant has been reported as likely pathogenic and as a VUS (LOVD, ClinVar), but also described as de novo in at least three females with a nonspecific neurodevelopmental disorder (PMID: 33244165, PMID: 34079076). (SP) Legend: (SP) - Supporting pathogenic, (I) - Information, (SB) - Supporting benign

3billion
Classification: Likely pathogenic for Cholestasis-pigmentary retinopathy-cleft palate syndrome. Last evaluated: 2023-02-23. Review status: criteria provided, single submitter. Criteria: ACMG Guidelines, 2015. Collection method: clinical testing. Allele origin: unknown. Affected: yes.
Comment: The variant is not observed in the gnomAD v2.1.1 dataset. Missense changes are a common disease-causing mechanism. In silico tool predictions suggest damaging effect of the variant on gene or gene product (REVEL: 0.68; 3Cnet: 0.85). Same nucleotide change resulting in same amino acid change has been previously reported to be associated with MED12 related disorder (ClinVar ID: VCV001210242 / PMID: 33244165). The variant has been previously reported as de novo in a similarly affected individual (PMID: 33244165). Therefore, this variant is classified as Likely pathogenic according to the recommendation of ACMG/AMP guideline.

Genetics Laboratory, UDIAT-Centre Diagnòstic, Hospital Universitari Parc Tauli
Classification: Likely pathogenic for Blepharophimosis - intellectual disability syndrome, MKB type. Last evaluated: 2022-10-04. Review status: criteria provided, single submitter. Criteria: Parc Tauli Hospital Assertion Criteria 2021. Collection method: clinical testing. Allele origin: de novo. Inheritance: X-linked inheritance. Affected: yes.
Comment: PP5_strong;PM2_supporting;PM6;PP2;PP3

GeneReviews
No classification provided. Condition: FG syndrome. Review status: no classification provided. Collection method: literature only. Allele origin: germline. Not counted in ClinVar's aggregate classification.
Comment: De novo variant in 4 females with nonspecific intellectual disability

Literature cited by the submitters: PubMed 30006928 (cited by Victorian Clinical Genetics Services, Murdoch Childrens Research Institute); PubMed 32174975 (cited by Victorian Clinical Genetics Services, Murdoch Childrens Research Institute); PubMed 33244165 (cited by 3 submitters); PubMed 33244166 (cited by Victorian Clinical Genetics Services, Murdoch Childrens Research Institute); PubMed 34079076 (cited by Victorian Clinical Genetics Services, Murdoch Childrens Research Institute and GeneReviews); PubMed 33913598 (cited by GeneReviews); PubMed 20301719 (cited by GeneReviews).